The following is an entry in ClinVar:

NM_001737.5(C9):c.1511A>T (p.Glu504Val)

Gene: C9 (complement C9; minus strand). Cytogenetic location: 5p13.1.
Variant type: single nucleotide variant.
Coding change: c.1511A>T on transcript NM_001737.5 (MANE Select); coding-DNA position 1511, A replaced by T.
Protein change: p.Glu504Val; replaces glutamic acid 504 with valine.
Molecular consequence: missense variant.
Genome position (GRCh38, 1-based): chr5:39,288,857, T>A on the plus strand (A>T on the coding strand, the complement: C9 is on the minus strand). VCF-style: chr5-39288857-T-A. GRCh37 (hg19) VCF-style: chr5-39288959-T-A.
Other names: short protein forms E504V.
Identifiers: ClinVar variation 1351052 (VCV001351052.6), dbSNP rs1579835520, ClinGen allele CA359619323.

ClinVar aggregate classification (germline): Uncertain significance (1 of 4 stars; one submission).

Submission:

Labcorp Genetics (formerly Invitae), Labcorp
Classification: Uncertain significance. Last evaluated: 2021-05-03. Review status: criteria provided, single submitter. Criteria: Invitae Variant Classification Sherloc (09022015). Collection method: clinical testing. Allele origin: germline.
Comment: In summary, the available evidence is currently insufficient to determine the role of this variant in disease. Therefore, it has been classified as a Variant of Uncertain Significance. Algorithms developed to predict the effect of missense changes on protein structure and function are either unavailable or do not agree on the potential impact of this missense change (SIFT: "Not Available"; PolyPhen-2: "Probably Damaging"; Align-GVGD: "Not Available"). This variant has not been reported in the literature in individuals with C9-related conditions. This variant is not present in population databases (ExAC no frequency). This sequence change replaces glutamic acid with valine at codon 504 of the C9 protein (p.Glu504Val). The glutamic acid residue is highly conserved and there is a moderate physicochemical difference between glutamic acid and valine.